The following is an entry in ClinVar:

NM_001130144.3(LTBP3):c.2287C>T (p.Pro763Ser)

Genes: LTBP3 (latent transforming growth factor beta binding protein 3; minus strand), LOC130006029 (ATAC-STARR-seq lymphoblastoid silent region 3532; plus strand). Cytogenetic location: 11q13.1.
Variant type: single nucleotide variant.
Coding change: c.2287C>T on transcript NM_001130144.3 (MANE Select); coding-DNA position 2287, C replaced by T.
Protein change: p.Pro763Ser; replaces proline 763 with serine.
Molecular consequence: missense variant.
Genome position (GRCh38, 1-based): chr11:65,546,508, G>A on the plus strand (C>T on the coding strand, the complement: LTBP3 is on the minus strand). VCF-style: chr11-65546508-G-A. GRCh37 (hg19) VCF-style: chr11-65313979-G-A.
Other names: c.1936C>T, p.Pro646Ser (NM_001164266.1); c.2287C>T, p.Pro763Ser (NM_021070.4); short protein forms P646S, P763S.
Identifiers: ClinVar variation 1789024 (VCV001789024.7), dbSNP rs377091192, ClinGen allele CA6100661.

ClinVar aggregate classification (germline): Uncertain significance. Review status: criteria provided, multiple submitters, no conflicts (2 of 4 stars). 2 submissions from 2 submitters: Uncertain significance (2). Last evaluated 2024-03-07.

Conditions:
Inborn genetic diseases. Identifiers: MedGen C0950123, MeSH D030342.
Brachyolmia-amelogenesis imperfecta syndrome. Also called: Tooth agenesis, selective, 6; Dental anomalies and short stature; PLATYSPONDYLY WITH AMELOGENESIS IMPERFECTA. Identifiers: Orphanet 2899, MedGen C1832594, MONDO:0011018, OMIM 601216. Disease mechanism: loss of function.

Allele frequency attached by ClinVar (database versions not stated): TOPMed 0.00002; ExAC 0.00003; ESP Exome Variant Server 0.00015.
gnomAD v4.1: 14 of 1,600,050 alleles (0.00087%); highest among the groups gnomAD compares: Non-Finnish European, 0.0012%; no homozygotes.

Submissions (2):

Labcorp Genetics (formerly Invitae), Labcorp
Classification: Uncertain significance for Brachyolmia-amelogenesis imperfecta syndrome. Last evaluated: 2024-03-07. Review status: criteria provided, single submitter. Criteria: Invitae Variant Classification Sherloc (09022015). Collection method: clinical testing. Allele origin: germline.
Comment: This sequence change replaces proline, which is neutral and non-polar, with serine, which is neutral and polar, at codon 763 of the LTBP3 protein (p.Pro763Ser). The frequency data for this variant in the population databases is considered unreliable, as metrics indicate poor data quality at this position in the gnomAD database. This variant has not been reported in the literature in individuals affected with LTBP3-related conditions. ClinVar contains an entry for this variant (Variation ID: 1789024). An algorithm developed to predict the effect of missense changes on protein structure and function (PolyPhen-2) suggests that this variant is likely to be disruptive. In summary, the available evidence is currently insufficient to determine the role of this variant in disease. Therefore, it has been classified as a Variant of Uncertain Significance.

Ambry Genetics
Classification: Uncertain significance for Inborn genetic diseases. Last evaluated: 2022-09-02. Review status: criteria provided, single submitter. Criteria: Ambry Variant Classification Scheme 2023. Collection method: clinical testing. Allele origin: germline.
Comment: The p.P763S variant (also known as c.2287C>T), located in coding exon 16 of the LTBP3 gene, results from a C to T substitution at nucleotide position 2287. The proline at codon 763 is replaced by serine, an amino acid with similar properties. This amino acid position is conserved. In addition, the in silico prediction for this alteration is inconclusive. Since supporting evidence is limited at this time, the clinical significance of this alteration remains unclear.